The following is an entry in ClinVar:

ClinVar aggregate classification (germline): Benign. Review status: criteria provided, multiple submitters, no conflicts (2 of 4 stars). 7 submissions from 7 submitters: Benign (5). 2 of the submissions do not count toward it. Last evaluated 2026-02-02.

Conditions:
Microcephalic osteodysplastic primordial dwarfism type II (MOPD2). Also called: Microcephalic osteodysplastic primordial dwarfism with tooth abnormalities; OSTEODYSPLASTIC PRIMORDIAL DWARFISM, TYPE II; MOPD II. Identifiers: Orphanet 2637, MedGen C0432246, MONDO:0008872, OMIM 210720.

Allele frequency attached by ClinVar (database versions not stated): 1000 Genomes Project 30x 0.02498; 1000 Genomes Project 0.02556; TOPMed 0.04569; gnomAD exomes 0.04593 and 0.05479; ExAC 0.04652; gnomAD 0.05044 and 0.05250; ESP Exome Variant Server 0.05536.
gnomAD v4.1: 87,445 of 1,612,714 alleles (5.4%); highest among the groups gnomAD compares: Non-Finnish European, 6%; 2,673 homozygotes.

Submissions (7):

Labcorp Genetics (formerly Invitae), Labcorp
Classification: Benign. Last evaluated: 2026-02-02. Review status: criteria provided, single submitter. Criteria: Invitae Variant Classification Sherloc (09022015). Collection method: clinical testing. Allele origin: germline.

Illumina Laboratory Services, Illumina
Classification: Benign for Microcephalic osteodysplastic primordial dwarfism type II. Last evaluated: 2018-01-13. Review status: criteria provided, single submitter. Criteria: ICSL Variant Classification Criteria 13 December 2019. Collection method: clinical testing. Allele origin: germline.
Comment: This variant was observed in the ICSL laboratory as part of a predisposition screen in an ostensibly healthy population. It had not been previously curated by ICSL or reported in the Human Gene Mutation Database (HGMD: prior to June 1st, 2018), and was therefore a candidate for classification through an automated scoring system. Utilizing variant allele frequency, disease prevalence and penetrance estimates, and inheritance mode, an automated score was calculated to assess if this variant is too frequent to cause the disease. Based on the score and internal cut-off values, a variant classified as benign is not then subjected to further curation. The score for this variant resulted in a classification of benign for this disease.

GeneDx
Classification: Benign. Last evaluated: 2014-03-31. Review status: criteria provided, single submitter. Criteria: GeneDx Variant Classification (06012015). Collection method: clinical testing. Allele origin: germline. Affected: yes.
Comment: This variant is considered likely benign or benign based on one or more of the following criteria: it is a conservative change, it occurs at a poorly conserved position in the protein, it is predicted to be benign by multiple in silico algorithms, and/or has population frequency not consistent with disease.

Genetic Services Laboratory, University of Chicago
Classification: Benign. Last evaluated: 2013-02-08. Review status: criteria provided, single submitter. Criteria: ACMG Guidelines, 2007. Collection method: clinical testing. Allele origin: germline. Inheritance: Autosomal recessive inheritance.

Breakthrough Genomics
Classification: Benign. Review status: criteria provided, single submitter. Criteria: ACMG Guidelines, 2015. Collection method: not provided. Allele origin: germline. Inheritance: Autosomal recessive inheritance. Affected: yes.

Clinical Genetics DNA and cytogenetics Diagnostics Lab, Erasmus MC, Erasmus Medical Center
Classification: Benign. Review status: no assertion criteria provided. Collection method: clinical testing. Allele origin: germline. Affected: yes. Study: VKGL Data-share Consensus. Not counted in ClinVar's aggregate classification.

Laboratory of Diagnostic Genome Analysis, Leiden University Medical Center (LUMC)
Classification: Likely benign. Review status: no assertion criteria provided. Collection method: clinical testing. Allele origin: germline. Affected: yes. Study: VKGL Data-share Consensus. Not counted in ClinVar's aggregate classification.

NM_006031.6(PCNT):c.711T>G (p.His237Gln)

Gene: PCNT (pericentrin; plus strand). Cytogenetic location: 21q22.3.
Variant type: single nucleotide variant.
Coding change: c.711T>G on transcript NM_006031.6 (MANE Select); coding-DNA position 711, T replaced by G.
Protein change: p.His237Gln; replaces histidine 237 with glutamine.
Molecular consequence: missense variant.
Genome position (GRCh38, 1-based): chr21:46,346,199, T>G. VCF-style: chr21-46346199-T-G. GRCh37 (hg19) VCF-style: chr21-47766113-T-G.
Other names: p.H237Q:CAT>CAG; c.357T>G, p.His119Gln (NM_001315529.2); short protein forms H237Q, H119Q.
Identifiers: ClinVar variation 138615 (VCV000138615.19), dbSNP rs34500739, ClinGen allele CA173078.